The following is an entry in ClinVar:

ClinVar aggregate classification (germline): Likely benign (1 of 4 stars; one submission).

Conditions:
LMOD3-related disorder. Also called: LMOD3-related condition.

Submission:

PreventionGenetics, part of Exact Sciences
Classification: Likely benign for LMOD3-related condition. Last evaluated: 2025-01-06. Review status: criteria provided, single submitter. Criteria: ACMG Guidelines, 2015. Collection method: clinical testing. Allele origin: germline.
Comment: This variant is classified as likely benign based on ACMG/AMP sequence variant interpretation guidelines (Richards et al. 2015 PMID: 25741868, with internal and published modifications).

NM_198271.5(LMOD3):c.456T>C (p.Asp152=)

Gene: LMOD3 (leiomodin 3; minus strand). Cytogenetic location: 3p14.1.
Variant type: single nucleotide variant.
Coding change: c.456T>C on transcript NM_198271.5 (MANE Select); coding-DNA position 456, T replaced by C.
Protein change: p.Asp152=; no amino-acid change (aspartic acid 152 retained).
Molecular consequence: synonymous variant.
Genome position (GRCh38, 1-based): chr3:69,119,899, A>G on the plus strand (T>C on the coding strand, the complement: LMOD3 is on the minus strand). VCF-style: chr3-69119899-A-G. GRCh37 (hg19) VCF-style: chr3-69169050-A-G.
Other names: c.456T>C, p.Asp152= (NM_001304418.3).
Identifiers: ClinVar variation 4982705 (VCV004982705.1).